The following is an entry in ClinVar:

ClinVar aggregate classification (germline): Uncertain significance (1 of 4 stars; one submission).

Conditions:
Welander distal myopathy (WDM). Also called: Welander distal myopathy, Swedish type; Distal myopathy, Swedish type; Gower's muscular dystrophy; MUSCULAR DYSTROPHY, DISTAL, LATE-ONSET, AUTOSOMAL DOMINANT. Identifiers: Orphanet 603, MedGen C0221054, MONDO:0011466, OMIM 604454.

Submission:

Labcorp Genetics (formerly Invitae), Labcorp
Classification: Uncertain significance for Welander distal myopathy. Last evaluated: 2025-06-01. Review status: criteria provided, single submitter. Criteria: Invitae Variant Classification Sherloc (09022015). Collection method: clinical testing. Allele origin: germline.
Comment: This sequence change creates a premature translational stop signal (p.Gln87Argfs*35) in the TIA1 gene. It is expected to result in an absent or disrupted protein product. However, the current clinical and genetic evidence is not sufficient to establish whether loss-of-function variants in TIA1 cause disease. This variant is not present in population databases (gnomAD no frequency). This variant has not been reported in the literature in individuals affected with TIA1-related conditions. In summary, the available evidence is currently insufficient to determine the role of this variant in disease. Therefore, it has been classified as a Variant of Uncertain Significance.

NM_022173.4(TIA1):c.260_263del (p.Gln87fs)

Gene: TIA1 (TIA1 cytotoxic granule associated RNA binding protein; minus strand). Cytogenetic location: 2p13.3.
Variant type: Deletion.
Coding change: c.260_263del on transcript NM_022173.4 (MANE Select); coding-DNA positions 260 to 263, 4 bases deleted (AAAA; older notation c.260_263delAAAA).
Protein change: p.Gln87fs; shifts the reading frame from glutamine 87.
Molecular consequence: frameshift variant. On other transcripts: 5 prime UTR variant (4), non-coding transcript variant (17).
Genome position (GRCh38, 1-based): chr2:70,229,278-70,229,281, TTTT deleted on the plus strand (AAAA on the coding strand, the reverse complement: TIA1 is on the minus strand). VCF-style (leftmost placement, unchanged base first): chr2-70229277-CTTTT-C. GRCh37 (hg19) VCF-style: chr2-70456409-CTTTT-C.
Other names: c.260_263del, p.Gln87fs (NM_001351508.2, NM_001351510.2, NM_001351516.2 and 5 more transcripts); c.266_269del, p.Gln89fs (NM_001351509.2, NM_001351520.2); c.149_152del, p.Gln50fs (NM_001351511.1, NM_001351513.1); c.155_158del, p.Gln52fs (NM_001351512.1); c.65_68del, p.Gln22fs (NM_001351514.2, NM_001351523.2); c.-130_-127del (NM_001351515.2); c.-384_-381del (NM_001351517.2); c.-161_-158del (NM_001351524.2); and 1 more; short protein forms Q22fs, Q50fs, Q52fs, Q89fs, Q87fs.
Identifiers: ClinVar variation 4718665 (VCV004718665.1).